The following is an entry in ClinVar:

ClinVar aggregate classification (germline): Pathogenic (1 of 4 stars; one submission).

Conditions:
Neurofibromatosis, type 1 (NF1). Also called: Peripheral type neurofibromatosis; VON RECKLINGHAUSEN DISEASE; NEUROFIBROMATOSIS, TYPE I, SOMATIC; Neurofibromatosis, type I. Identifiers: Orphanet 636, MedGen C0027831, MONDO:0018975, OMIM 162200. Disease mechanism: loss of function.

Submission:

Labcorp Genetics (formerly Invitae), Labcorp
Classification: Pathogenic for Neurofibromatosis, type 1. Last evaluated: 2018-06-09. Review status: criteria provided, single submitter. Criteria: Invitae Variant Classification Sherloc (09022015). Collection method: clinical testing. Allele origin: germline.
Comment: For these reasons, this variant has been classified as Pathogenic. Loss-of-function variants in NF1 are known to be pathogenic (PMID: 10712197, 23913538). Similar deletions have not been reported in the literature in individuals with NF1-related disease. This variant is an out-of-frame deletion of the genomic region encompassing exons 39-55 of the NF1 gene. This is expected to create a premature translational stop signal and result in an absent or disrupted protein product.

Literature cited by the submitters: PubMed 10712197; PubMed 23913538.

NC_000017.11:g.(?_31334559)_(31359035_?)del

Genes: NF1 (neurofibromin 1; plus strand), LOC108281182 (NF1 intron 50 Alu-mediated recombination region; plus strand). Cytogenetic location: 17q11.2.
Variant type: Deletion.
Identifiers: ClinVar variation 584219 (VCV000584219.3).